The following is an entry in ClinVar:

ClinVar aggregate classification (germline): Uncertain significance (1 of 4 stars; one submission).

Conditions:
PLXNA2-related disorder. Also called: PLXNA2-related condition.

Submission:

PreventionGenetics, part of Exact Sciences
Classification: Uncertain significance for PLXNA2-related condition. Last evaluated: 2026-06-15. Review status: criteria provided, single submitter. Criteria: ACMG Guidelines, 2015. Collection method: clinical testing. Allele origin: germline.
Comment: The PLXNA2 c.1980A>T variant is predicted to result in the amino acid substitution p.Gln660His. To our knowledge, this variant has not been reported in the literature or in a large population database (gnomAD), indicating this variant is rare. At this time, the clinical significance of this variant is uncertain due to the absence of conclusive functional and genetic evidence.

NM_025179.4(PLXNA2):c.1980A>T (p.Gln660His)

Gene: PLXNA2 (plexin A2; minus strand). Cytogenetic location: 1q32.2.
Variant type: single nucleotide variant.
Coding change: c.1980A>T on transcript NM_025179.4 (MANE Select); coding-DNA position 1980, A replaced by T.
Protein change: p.Gln660His; replaces glutamine 660 with histidine.
Molecular consequence: missense variant.
Genome position (GRCh38, 1-based): chr1:208,096,031, T>A on the plus strand (A>T on the coding strand, the complement: PLXNA2 is on the minus strand). VCF-style: chr1-208096031-T-A. GRCh37 (hg19) VCF-style: chr1-208269376-T-A.
Other names: short protein forms Q660H.
Identifiers: ClinVar variation 4994631 (VCV004994631.1).
Genomic context (GRCh38, chr1:208,096,031, plus strand): 5'-AAGAAAGCCCATACCCACATCCAGACCCAGAGCAAGACCCTTTCTAATAAGCACTTACAG[T>A]TGGTGGGCACTGCAGTTGTAAAACTTGAACTCGGTGCTGACAAATATCTTCCCTGTCTCC-3'
Protein context (NP_079455.3, residues 650-670): EFKFYNCSAH[Gln660His]LCLSCVNSAF